The following is an entry in ClinVar:

ClinVar aggregate classification (germline): Pathogenic. Review status: criteria provided, multiple submitters, no conflicts (2 of 4 stars). 2 submissions from 2 submitters: Pathogenic (2). Last evaluated 2026-07-20.

Conditions:
Hereditary cancer-predisposing syndrome. Also called: Neoplastic Syndromes, Hereditary; Hereditary neoplastic syndrome; Hereditary Cancer Syndrome; Tumor predisposition. Identifiers: Orphanet 140162, MedGen C0027672, MeSH D009386, MONDO:0015356.

Submissions (2):

Ambry Genetics
Classification: Pathogenic for Hereditary cancer-predisposing syndrome. Last evaluated: 2026-07-20. Review status: criteria provided, single submitter. Criteria: Ambry Variant Classification Scheme 2023. Collection method: clinical testing. Allele origin: germline.
Comment: The c.225delT pathogenic mutation, located in coding exon 2 of the RAD51C gene, results from a deletion of one nucleotide at nucleotide position 225, causing a translational frameshift with a predicted alternate stop codon (p.Y75*). This variant is considered to be rare based on population cohorts in the Genome Aggregation Database (gnomAD). This alteration is expected to result in loss of function by premature protein truncation or nonsense-mediated mRNA decay. As such, this alteration is interpreted as a disease-causing mutation.

GeneDx
Classification: Pathogenic. Last evaluated: 2016-10-05. Review status: criteria provided, single submitter. Criteria: GeneDx Variant Classification (06012015). Collection method: clinical testing. Allele origin: germline. Affected: yes.
Comment: This deletion of one nucleotide is denoted RAD51C c.225delT at the cDNA level and p.Tyr75Ter (Y75X) at the protein level. The normal sequence, with the base that is deleted in braces, is GATA[T]GCTG. The deletion creates a nonsense variant, which changes a Tyrosine to a premature stop codon. This variant is predicted to cause loss of normal protein function through either protein truncation or nonsense-mediated mRNA decay. Although this variant has not, to our knowledge, been reported in the literature, variants at the same and adjacent nucleotides, RAD51C c.225T>G and RAD51C c.224dupA, respectively, also result in a premature stop codon at this residue (p.Tyr75Ter) and have been reported in individuals with a personal history of breast and/or ovarian cancer (Meindl 2010, Rashid 2014, Villalona-Calero 2016). This variant is considered pathogenic.

NM_058216.3(RAD51C):c.225del (p.Arg74_Tyr75insTer)

Gene: RAD51C (RAD51 paralog C; plus strand). Cytogenetic location: 17q22.
Variant type: Deletion.
Coding change: c.225del on transcript NM_058216.3 (MANE Select); coding-DNA position 225, one base deleted (T; older notation c.225delT).
Protein change: p.Arg74_Tyr75insTer.
Molecular consequence: nonsense. On other transcripts: non-coding transcript variant (2).
Genome position (GRCh38, 1-based): chr17:58,695,010, T deleted. VCF-style (leftmost placement, unchanged base first): chr17-58695009-AT-A. GRCh37 (hg19) VCF-style: chr17-56772370-AT-A.
Other names: c.225del, p.Arg74_Tyr75insTer (NM_002876.4).
Identifiers: ClinVar variation 422429 (VCV000422429.5), dbSNP rs1064795774, ClinGen allele CA16620490.
Genomic context (GRCh38, chr17:58,695,009, plus strand): 5'-CAGAAGCCTTAGAAACTCTGCAAATTATCAGAAGAGAATGTCTCACAAATAAACCAAGAT[AT>A]GCTGGTACATCTGAGTCACACAAGAAGTGTACAGCACTGGAACTTCTTGAGCAGGAGCAT-3'